The following is an entry in ClinVar:

ClinVar aggregate classification (germline): Uncertain significance (1 of 4 stars; one submission).

Conditions:
Frontotemporal dementia and/or amyotrophic lateral sclerosis 4. Also called: FTDALS4. Identifiers: Orphanet 275872, MedGen C4225325, MONDO:0014641, OMIM 616439.

Submission:

Labcorp Genetics (formerly Invitae), Labcorp
Classification: Uncertain significance for Frontotemporal dementia and/or amyotrophic lateral sclerosis 4. Last evaluated: 2022-04-01. Review status: criteria provided, single submitter. Criteria: Invitae Variant Classification Sherloc (09022015). Collection method: clinical testing. Allele origin: germline.
Comment: Advanced modeling of protein sequence and biophysical properties (such as structural, functional, and spatial information, amino acid conservation, physicochemical variation, residue mobility, and thermodynamic stability) performed at Invitae indicates that this missense variant is expected to disrupt TBK1 protein function. In summary, the available evidence is currently insufficient to determine the role of this variant in disease. Therefore, it has been classified as a Variant of Uncertain Significance. This variant has not been reported in the literature in individuals affected with TBK1-related conditions. This variant is not present in population databases (gnomAD no frequency). This sequence change replaces glycine, which is neutral and non-polar, with arginine, which is basic and polar, at codon 255 of the TBK1 protein (p.Gly255Arg).

NM_013254.4(TBK1):c.763G>A (p.Gly255Arg)

Gene: TBK1 (TANK binding kinase 1; plus strand). Cytogenetic location: 12q14.2.
Variant type: single nucleotide variant.
Coding change: c.763G>A on transcript NM_013254.4 (MANE Select); coding-DNA position 763, G replaced by A.
Protein change: p.Gly255Arg; replaces glycine 255 with arginine.
Molecular consequence: missense variant.
Genome position (GRCh38, 1-based): chr12:64,480,073, G>A. VCF-style: chr12-64480073-G-A. GRCh37 (hg19) VCF-style: chr12-64873853-G-A.
Other names: short protein forms G255R.
Identifiers: ClinVar variation 2120161 (VCV002120161.4), dbSNP rs2539511065, ClinGen allele CA385598478.